The following is an entry in ClinVar:

ClinVar aggregate classification (germline): Benign/Likely benign. Review status: criteria provided, multiple submitters, no conflicts (2 of 4 stars). 3 submissions from 3 submitters: Benign (1); Likely benign (2). Last evaluated 2025-03-27.

Conditions:
ARHGEF6-related disorder. Also called: ARHGEF6-related condition.

Allele frequency attached by ClinVar (database versions not stated): gnomAD exomes 0.00031 and 0.00075; ExAC 0.00084; 1000 Genomes Project 30x 0.00125; 1000 Genomes Project 0.00132; gnomAD 0.00243 and 0.00258; TOPMed 0.00246; ESP Exome Variant Server 0.00303.
gnomAD v4.1: 605 of 1,201,508 alleles (0.05%); highest among the groups gnomAD compares: African/African-American, 0.78%; 2 homozygotes.

Submissions (3):

PreventionGenetics, part of Exact Sciences
Classification: Benign for ARHGEF6-related condition. Last evaluated: 2025-03-27. Review status: criteria provided, single submitter. Criteria: ACMG Guidelines, 2015. Collection method: clinical testing. Allele origin: germline.
Comment: This variant is classified as benign based on ACMG/AMP sequence variant interpretation guidelines (Richards et al. 2015 PMID: 25741868, with internal and published modifications).

Center for Pediatric Genomic Medicine, Children's Mercy Hospital and Clinics
Classification: Likely benign. Last evaluated: 2017-05-04. Review status: criteria provided, single submitter. Criteria: ACMG Guidelines, 2015. Collection method: clinical testing. Allele origin: germline.

Breakthrough Genomics
Classification: Likely benign. Review status: criteria provided, single submitter. Criteria: ACMG Guidelines, 2015. Collection method: not provided. Allele origin: germline. Inheritance: Unknown mechanism. Affected: yes.

NM_004840.3(ARHGEF6):c.334+7C>T

Gene: ARHGEF6 (Rac/Cdc42 guanine nucleotide exchange factor 6; minus strand). Cytogenetic location: Xq26.3.
Variant type: single nucleotide variant.
Coding change: c.334+7C>T on transcript NM_004840.3 (MANE Select); 7 bases into the intron after coding-DNA position 334, C replaced by T.
Molecular consequence: intron variant.
Genome position (GRCh38, 1-based): chrX:136,747,501, G>A on the plus strand (C>T on the coding strand, the complement: ARHGEF6 is on the minus strand). VCF-style: chrX-136747501-G-A. GRCh37 (hg19) VCF-style: chrX-135829660-G-A.
Other names: c.-129+7C>T (NM_001306177.2); c.334+7C>T (NM_004840.2).
Identifiers: ClinVar variation 445824 (VCV000445824.4), dbSNP rs183417070, ClinGen allele CA10528597.
Genomic context (GRCh38, chrX:136,747,501, plus strand): 5'-AGGGTAATCACAAACACATGGATTCAAAAATGTCACCCAGAACATATAAATCACAAGCCC[G>A]GCTTACCTTCTGTTGCTTTGTTGACAGCTAAAAGAGTACTCAGTACCTTGGAGAAATTGA-3'